The following is an entry in ClinVar:

ClinVar aggregate classification (germline): Uncertain significance. Review status: criteria provided, multiple submitters, no conflicts (2 of 4 stars). 2 submissions from 2 submitters: Uncertain significance (2). Last evaluated 2025-09-03.

Allele frequency attached by ClinVar (database versions not stated): ExAC 0.00002; gnomAD exomes 0.00002 and 0.00005; TOPMed 0.00004; ESP Exome Variant Server 0.00008.
gnomAD v4.1: 79 of 1,613,642 alleles (0.0049%); highest among the groups gnomAD compares: Non-Finnish European, 0.0062%; no homozygotes.

Submissions (2):

Labcorp Genetics (formerly Invitae), Labcorp
Classification: Uncertain significance. Last evaluated: 2025-09-03. Review status: criteria provided, single submitter. Criteria: Invitae Variant Classification Sherloc (09022015). Collection method: clinical testing. Allele origin: germline.
Comment: This sequence change replaces arginine, which is basic and polar, with glutamine, which is neutral and polar, at codon 332 of the CLUAP1 protein (p.Arg332Gln). This variant is present in population databases (rs374419869, gnomAD 0.007%). This variant has not been reported in the literature in individuals affected with CLUAP1-related conditions. ClinVar contains an entry for this variant (Variation ID: 1036515). Invitae Evidence Modeling of protein sequence and biophysical properties (such as structural, functional, and spatial information, amino acid conservation, physicochemical variation, residue mobility, and thermodynamic stability) indicates that this missense variant is not expected to disrupt CLUAP1 protein function with a negative predictive value of 80%. In summary, the available evidence is currently insufficient to determine the role of this variant in disease. Therefore, it has been classified as a Variant of Uncertain Significance.

Ambry Genetics
Classification: Uncertain significance. Last evaluated: 2023-12-16. Review status: criteria provided, single submitter. Criteria: Ambry Variant Classification Scheme 2023. Collection method: clinical testing. Allele origin: germline.

NM_015041.3(CLUAP1):c.995G>A (p.Arg332Gln)

Gene: CLUAP1 (clusterin associated protein 1; plus strand). Cytogenetic location: 16p13.3.
Variant type: single nucleotide variant.
Coding change: c.995G>A on transcript NM_015041.3 (MANE Select); coding-DNA position 995, G replaced by A.
Protein change: p.Arg332Gln; replaces arginine 332 with glutamine.
Molecular consequence: missense variant.
Genome position (GRCh38, 1-based): chr16:3,530,634, G>A. VCF-style: chr16-3530634-G-A. GRCh37 (hg19) VCF-style: chr16-3580634-G-A.
Other names: c.995G>A (NM_015041.1); c.995G>A, p.Arg332Gln (NM_001330454.2); c.497G>A, p.Arg166Gln (NM_024793.3); short protein forms R332Q, R166Q.
Identifiers: ClinVar variation 1036515 (VCV001036515.11), dbSNP rs374419869, ClinGen allele CA7863934.